The following is an entry in ClinVar:

NM_213655.5(WNK1):c.2832C>G (p.Ala944=)

Gene: WNK1 (WNK lysine deficient protein kinase 1; plus strand). Cytogenetic location: 12p13.33.
Variant type: single nucleotide variant.
Coding change: c.2832C>G on transcript NM_213655.5 (MANE Plus Clinical); coding-DNA position 2832, C replaced by G.
Protein change: p.Ala944=; no amino-acid change (alanine 944 retained).
Molecular consequence: synonymous variant. On other transcripts: intron variant (2).
Genome position (GRCh38, 1-based): chr12:868,303, C>G. VCF-style: chr12-868303-C-G. GRCh37 (hg19) VCF-style: chr12-977469-C-G.
Other names: c.2577C>G, p.Ala859= (NM_001184985.2); c.2140-2962C>G (NM_018979.4, NM_014823.3); c.2577C>G (NM_001184985.1).
Identifiers: ClinVar variation 1134993 (VCV001134993.10), dbSNP rs747730233, ClinGen allele CA6382246.

ClinVar aggregate classification (germline): Likely benign. Review status: criteria provided, multiple submitters, no conflicts (2 of 4 stars). 2 submissions from 2 submitters: Likely benign (2). Last evaluated 2026-03-12.

Conditions:
WNK1-related disorder. Also called: WNK1-related condition.
Neuropathy, hereditary sensory and autonomic, type 2A (HSAN2A). Also called: ACROOSTEOLYSIS, GIACCAI TYPE; ACROOSTEOLYSIS, NEUROGENIC; MORVAN DISEASE; NEUROPATHY, CONGENITAL SENSORY; NEUROPATHY, HEREDITARY SENSORY RADICULAR, AUTOSOMAL RECESSIVE; NEUROPATHY, HEREDITARY SENSORY, TYPE IIA. Identifiers: Orphanet 970, MedGen C2752089, MONDO:0024309, OMIM 201300.
Pseudohypoaldosteronism type 2C (PHA2C). Also called: Pseudohypoaldosteronism Type IIC. Identifiers: Orphanet 757, Orphanet 88940, MedGen C1840391, MONDO:0013778, OMIM 614492.

Allele frequency attached by ClinVar (database versions not stated): TOPMed 0.00002; gnomAD 0.00004; gnomAD exomes 0.00005 and 0.00011; ExAC 0.00024.
gnomAD v4.1: 94 of 1,609,796 alleles (0.0058%); highest among the groups gnomAD compares: Non-Finnish European, 0.0064%; no homozygotes.

Submissions (2):

PreventionGenetics, part of Exact Sciences
Classification: Likely benign for WNK1-related condition. Last evaluated: 2026-03-12. Review status: criteria provided, single submitter. Criteria: ACMG Guidelines, 2015. Collection method: clinical testing. Allele origin: germline.
Comment: This variant is classified as likely benign based on ACMG/AMP sequence variant interpretation guidelines (Richards et al. 2015 PMID: 25741868, with internal and published modifications).

Labcorp Genetics (formerly Invitae), Labcorp
Classification: Likely benign for Neuropathy, hereditary sensory and autonomic, type 2A; Pseudohypoaldosteronism type 2C. Last evaluated: 2024-11-26. Review status: criteria provided, single submitter. Criteria: Invitae Variant Classification Sherloc (09022015). Collection method: clinical testing. Allele origin: germline.